The following is an entry in ClinVar:

ClinVar aggregate classification (germline): Conflicting classifications of pathogenicity. Review status: criteria provided, conflicting classifications (1 of 4 stars). 2 submissions from 2 submitters: Uncertain significance (1); Likely benign (1). Last evaluated 2023-01-20.

Allele frequency attached by ClinVar (database versions not stated): gnomAD below 0.00001 and 0.00007; TOPMed 0.00001; gnomAD exomes 0.00006 and 0.00013; ExAC 0.00019; 1000 Genomes Project 30x 0.00062; 1000 Genomes Project 0.00080.
gnomAD v4.1: 96 of 1,607,738 alleles (0.006%); highest among the groups gnomAD compares: South Asian, 0.099%; no homozygotes.

Submissions (2):

Blueprint Genetics
Classification: Likely benign. Last evaluated: 2023-01-20. Review status: criteria provided, single submitter. Criteria: ACMG Guidelines, 2015. Collection method: clinical testing. Allele origin: germline.

Labcorp Genetics (formerly Invitae), Labcorp
Classification: Uncertain significance. Last evaluated: 2022-09-06. Review status: criteria provided, single submitter. Criteria: Invitae Variant Classification Sherloc (09022015). Collection method: clinical testing. Allele origin: germline.
Comment: This sequence change replaces glycine, which is neutral and non-polar, with serine, which is neutral and polar, at codon 110 of the CWC27 protein (p.Gly110Ser). This variant is present in population databases (rs566171437, gnomAD 0.1%). This variant has not been reported in the literature in individuals affected with CWC27-related conditions. ClinVar contains an entry for this variant (Variation ID: 956541). Algorithms developed to predict the effect of missense changes on protein structure and function (SIFT, PolyPhen-2, Align-GVGD) all suggest that this variant is likely to be disruptive. Algorithms developed to predict the effect of sequence changes on RNA splicing suggest that this variant may create or strengthen a splice site. In summary, the available evidence is currently insufficient to determine the role of this variant in disease. Therefore, it has been classified as a Variant of Uncertain Significance.

NM_005869.4(CWC27):c.328G>A (p.Gly110Ser)

Gene: CWC27 (CWC27 spliceosome associated cyclophilin; plus strand). Cytogenetic location: 5q12.3.
Variant type: single nucleotide variant.
Coding change: c.328G>A on transcript NM_005869.4 (MANE Select); coding-DNA position 328, G replaced by A.
Protein change: p.Gly110Ser; replaces glycine 110 with serine.
Molecular consequence: missense variant.
Genome position (GRCh38, 1-based): chr5:64,783,911, G>A. VCF-style: chr5-64783911-G-A. GRCh37 (hg19) VCF-style: chr5-64079738-G-A.
Other names: c.328G>A, p.Gly110Ser (NM_001297644.1, NM_001297645.2, NM_001318000.2 and 1 more transcripts); short protein forms G110S.
Identifiers: ClinVar variation 956541 (VCV000956541.5), dbSNP rs566171437, ClinGen allele CA3281917.